The following is an entry in ClinVar:

NM_000552.5(VWF):c.4733C>A (p.Thr1578Asn)

Gene: VWF (von Willebrand factor; minus strand). Cytogenetic location: 12p13.31.
Variant type: single nucleotide variant.
Coding change: c.4733C>A on transcript NM_000552.5 (MANE Select); coding-DNA position 4733, C replaced by A.
Protein change: p.Thr1578Asn; replaces threonine 1578 with asparagine.
Molecular consequence: missense variant.
Genome position (GRCh38, 1-based): chr12:6,018,685, G>T on the plus strand (C>A on the coding strand, the complement: VWF is on the minus strand). VCF-style: chr12-6018685-G-T. GRCh37 (hg19) VCF-style: chr12-6127851-G-T.
Other names: NM_000552.5(VWF):c.4733C>A; p.Thr1578Asn; short protein forms T1578N.
Identifiers: ClinVar variation 1683999 (VCV001683999.2), dbSNP rs2136411988, ClinGen allele CA383499814.

ClinVar aggregate classification (germline): Likely pathogenic. Review status: reviewed by expert panel (3 of 4 stars). 2 submissions from 2 submitters: Likely pathogenic (1). 1 of the submissions does not count toward it. Last evaluated 2025-07-01.

Conditions:
von Willebrand disease type 2 (VWD2). Also called: VON WILLEBRAND DISEASE, TYPE 2A/IIE; VON WILLEBRAND DISEASE, TYPE 2CB; VON WILLEBRAND DISEASE, TYPE II; VWD, TYPE 2. Identifiers: Orphanet 166081, Orphanet 903, MedGen C1264040, MONDO:0013304, OMIM 613554.
Von Willebrand disease type 2A. Identifiers: Orphanet 166084, MedGen C1282968, MONDO:0015628. Inheritance: Autosomal recessive or autosomal dominant.

Submissions (2):

ClinGen von Willebrand Disease Variant Curation Expert Panel, ClinGen
Classification: Likely pathogenic for Von Willebrand disease type 2A. Last evaluated: 2025-07-01. Review status: reviewed by expert panel. Criteria: ClinGen VWD 2A B M Rules. Collection method: curation. Allele origin: germline. Inheritance: Autosomal dominant inheritance.
Comment: The NM_000552.5: c.4733C>A variant in VWF is a missense variant predicted to cause substitution of threonine by asparagine at amino acid 1578 (p.Thr1578Asn). The computational predictor REVEL gives a score of 0.674, which is above the ClinGen VWD VCEP threshold of >0.644 and predicts a damaging effect on VWF function (PP3). Two probands from one family displayed excessive mucocutaneous bleeding as well as laboratory phenotypes of very low VWF activity measured by VWF:GPIbM and VWF:Collagen III binding assays and loss of high molecular weight multimers, which is specific for VWD type 2A (Internal Laboratory Data; PP4_Moderate). Two additional probands meeting phenotypic criteria for VWD type 2A were reported in the literature (PMIDs: 35452508, 38315875, 26986123; PS4_Moderate). In summary, the variant has been classified as likely pathogenic for von Willebrand disease type 2A based on the ACMG/AMP criteria applied, as specified by the ClinGen VWD VCEP: PM2_Supporting, PP3, PP4_moderate, PS4_moderate.

Angelo Bianchi Bonomi Hemophilia and Thrombosis Center, Fondazione IRCCS Ca Granda Ospedale Maggiore Policlinico
Classification: Pathogenic for von Willebrand disease type 2. Last evaluated: 2022-04-26. Review status: no assertion criteria provided. Collection method: clinical testing. Allele origin: germline. Affected: yes. Not counted in ClinVar's aggregate classification.